The following is an entry in ClinVar:

ClinVar aggregate classification (germline): Uncertain significance (1 of 4 stars; one submission).

Conditions:
Tumor predisposition syndrome 3 (TPDS3). Also called: Melanoma, cutaneous malignant, susceptibility to, 10; Glioma susceptibility 9; LONG TELOMERE SYNDROME, POT1-RELATED; POT1 Tumor Predisposition. Identifiers: Orphanet 618, MedGen C4014476, MONDO:0014368, OMIM 615848.

Allele frequency attached by ClinVar (database versions not stated): ExAC 0.00001; gnomAD 0.00001.
gnomAD v4.1: 1 of 1,567,846 alleles (0.000064%); highest among the groups gnomAD compares: Non-Finnish European, 0.000088%; no homozygotes.

Submission:

Labcorp Genetics (formerly Invitae), Labcorp
Classification: Uncertain significance for Tumor predisposition syndrome 3. Last evaluated: 2021-10-09. Review status: criteria provided, single submitter. Criteria: Invitae Variant Classification Sherloc (09022015). Collection method: clinical testing. Allele origin: germline.
Comment: In summary, the available evidence is currently insufficient to determine the role of this variant in disease. Therefore, it has been classified as a Variant of Uncertain Significance. Algorithms developed to predict the effect of sequence changes on RNA splicing suggest that this variant may create or strengthen a splice site. This variant has not been reported in the literature in individuals affected with POT1-related conditions. This variant is present in population databases (rs766684073, ExAC 0.002%). This sequence change falls in intron 12 of the POT1 gene. It does not directly change the encoded amino acid sequence of the POT1 protein.

NM_015450.3(POT1):c.1006+7C>G

Gene: POT1 (protection of telomeres 1; minus strand). Cytogenetic location: 7q31.33.
Variant type: single nucleotide variant.
Coding change: c.1006+7C>G on transcript NM_015450.3 (MANE Select); 7 bases into the intron after coding-DNA position 1006, C replaced by G.
Molecular consequence: intron variant.
Genome position (GRCh38, 1-based): chr7:124,846,935, G>C on the plus strand (C>G on the coding strand, the complement: POT1 is on the minus strand). VCF-style: chr7-124846935-G-C. GRCh37 (hg19) VCF-style: chr7-124486989-G-C.
Other names: c.613+7C>G (NM_001042594.2).
Identifiers: ClinVar variation 1399998 (VCV001399998.6), dbSNP rs766684073, ClinGen allele CA4465267.